The following is an entry in ClinVar:

ClinVar aggregate classification (germline): Uncertain significance (1 of 4 stars; one submission).

Submission:

Labcorp Genetics (formerly Invitae), Labcorp
Classification: Uncertain significance. Last evaluated: 2025-09-25. Review status: criteria provided, single submitter. Criteria: Invitae Variant Classification Sherloc (09022015). Collection method: clinical testing. Allele origin: germline.
Comment: This sequence change replaces lysine, which is basic and polar, with arginine, which is basic and polar, at codon 4 of the ERBIN protein (p.Lys4Arg). This variant is not present in population databases (gnomAD no frequency). This variant has not been reported in the literature in individuals affected with ERBIN-related conditions. An algorithm developed to predict the effect of missense changes on protein structure and function (PolyPhen-2) suggests that this variant is likely to be disruptive. In summary, the available evidence is currently insufficient to determine the role of this variant in disease. Therefore, it has been classified as a Variant of Uncertain Significance.

NM_001253697.2(ERBIN):c.11A>G (p.Lys4Arg)

Gene: ERBIN (erbb2 interacting protein; plus strand). Cytogenetic location: 5q12.3.
Variant type: single nucleotide variant.
Coding change: c.11A>G on transcript NM_001253697.2 (MANE Select); coding-DNA position 11, A replaced by G.
Protein change: p.Lys4Arg; replaces lysine 4 with arginine.
Molecular consequence: missense variant.
Genome position (GRCh38, 1-based): chr5:65,992,729, A>G. VCF-style: chr5-65992729-A-G. GRCh37 (hg19) VCF-style: chr5-65288557-A-G.
Other names: c.11A>G, p.Lys4Arg (NM_001006600.3, NM_001253698.2, NM_001253699.2 and 2 more transcripts); short protein forms K4R.
Identifiers: ClinVar variation 4719970 (VCV004719970.1).